The following is an entry in ClinVar:

NM_005751.5(AKAP9):c.9673G>A (p.Glu3225Lys)

Gene: AKAP9 (A-kinase anchoring protein 9; plus strand). Cytogenetic location: 7q21.2.
Variant type: single nucleotide variant.
Coding change: c.9673G>A on transcript NM_005751.5 (MANE Select); coding-DNA position 9673, G replaced by A.
Protein change: p.Glu3225Lys; replaces glutamic acid 3225 with lysine.
Molecular consequence: missense variant.
Genome position (GRCh38, 1-based): chr7:92,095,117, G>A. VCF-style: chr7-92095117-G-A. GRCh37 (hg19) VCF-style: chr7-91724431-G-A.
Other names: c.4318G>A, p.Glu1440Lys (NM_001379277.1); c.9649G>A, p.Glu3217Lys (NM_147185.3); short protein forms E1440K, E3217K, E3225K.
Identifiers: ClinVar variation 2880264 (VCV002880264.3), dbSNP rs1488574595, ClinGen allele CA368149557.

ClinVar aggregate classification (germline): Uncertain significance (1 of 4 stars; one submission).

Conditions:
Long QT syndrome (LQTS). Identifiers: MedGen C0023976, MeSH D008133, MONDO:0002442. Disease mechanism: loss of function. Inheritance: Various modes of inheritance.

Allele frequency attached by ClinVar (database versions not stated): gnomAD 0.00001; TOPMed 0.00001.
gnomAD v4.1: 2 of 1,614,052 alleles (0.00012%); highest among the groups gnomAD compares: Admixed American, 0.0033%; no homozygotes.

Submission:

Labcorp Genetics (formerly Invitae), Labcorp
Classification: Uncertain significance for Long QT syndrome. Last evaluated: 2025-05-13. Review status: criteria provided, single submitter. Criteria: Invitae Variant Classification Sherloc (09022015). Collection method: clinical testing. Allele origin: germline.
Comment: This sequence change replaces glutamic acid, which is acidic and polar, with lysine, which is basic and polar, at codon 3225 of the AKAP9 protein (p.Glu3225Lys). This variant is not present in population databases (gnomAD no frequency). This variant has not been reported in the literature in individuals affected with AKAP9-related conditions. ClinVar contains an entry for this variant (Variation ID: 2880264). An algorithm developed to predict the effect of missense changes on protein structure and function (PolyPhen-2) suggests that this variant is likely to be disruptive. In summary, the available evidence is currently insufficient to determine the role of this variant in disease. Therefore, it has been classified as a Variant of Uncertain Significance.